The following is an entry in ClinVar:

NM_000160.5(GCGR):c.1323C>T (p.His441=)

Gene: GCGR (glucagon receptor; plus strand). Cytogenetic location: 17q25.3.
Variant type: single nucleotide variant.
Coding change: c.1323C>T on transcript NM_000160.5 (MANE Select); coding-DNA position 1323, C replaced by T.
Protein change: p.His441=; no amino-acid change (histidine 441 retained).
Molecular consequence: synonymous variant.
Genome position (GRCh38, 1-based): chr17:81,813,578, C>T. VCF-style: chr17-81813578-C-T. GRCh37 (hg19) VCF-style: chr17-79771454-C-T.
Identifiers: ClinVar variation 3038200 (VCV003038200.2), dbSNP rs1034721681, ClinGen allele CA295102438.

ClinVar aggregate classification (germline): Likely benign (0 of 4 stars; one submission).

Conditions:
GCGR-related disorder. Also called: GCGR-related condition.

Allele frequency attached by ClinVar (database versions not stated): gnomAD exomes 0.00003; gnomAD 0.00005; TOPMed 0.00005.
gnomAD v4.1: 52 of 1,536,348 alleles (0.0034%); highest among the groups gnomAD compares: Admixed American, 0.02%; no homozygotes.

Submission:

PreventionGenetics, part of Exact Sciences
Classification: Likely benign for GCGR-related condition. Last evaluated: 2019-05-07. Review status: no assertion criteria provided. Collection method: clinical testing. Allele origin: germline.
Comment: This variant is classified as likely benign based on ACMG/AMP sequence variant interpretation guidelines (Richards et al. 2015 PMID: 25741868, with internal and published modifications).